The following is an entry in ClinVar:

ClinVar aggregate classification (germline): Uncertain significance. Review status: criteria provided, multiple submitters, no conflicts (2 of 4 stars). 3 submissions from 3 submitters: Uncertain significance (3). Last evaluated 2025-05-05.

Conditions:
Cardiovascular phenotype. Identifiers: MedGen CN230736.
DiGeorge syndrome. Also called: THIRD AND FOURTH PHARYNGEAL POUCH SYNDROME; Catch22. Identifiers: Orphanet 567, MedGen C0012236, MONDO:0008564, OMIM 188400.

Allele frequency attached by ClinVar (database versions not stated): TOPMed 0.00004; gnomAD 0.00006 and 0.00007.
gnomAD v4.1: 13 of 1,013,584 alleles (0.0013%); highest among the groups gnomAD compares: African/African-American, 0.018%; no homozygotes.

Submissions (3):

Ambry Genetics
Classification: Uncertain significance for Cardiovascular phenotype. Last evaluated: 2025-05-05. Review status: criteria provided, single submitter. Criteria: Ambry Variant Classification Scheme 2023. Collection method: clinical testing. Allele origin: germline.

Labcorp Genetics (formerly Invitae), Labcorp
Classification: Uncertain significance for DiGeorge syndrome. Last evaluated: 2025-04-03. Review status: criteria provided, single submitter. Criteria: Invitae Variant Classification Sherloc (09022015). Collection method: clinical testing. Allele origin: germline.
Comment: This sequence change replaces alanine, which is neutral and non-polar, with valine, which is neutral and non-polar, at codon 23 of the TBX1 protein (p.Ala23Val). This variant is present in population databases (no rsID available, gnomAD 0.02%). This variant has not been reported in the literature in individuals affected with TBX1-related conditions. ClinVar contains an entry for this variant (Variation ID: 959519). Experimental studies and prediction algorithms are not available or were not evaluated, and the functional significance of this variant is currently unknown. In summary, the available evidence is currently insufficient to determine the role of this variant in disease. Therefore, it has been classified as a Variant of Uncertain Significance.

GeneDx
Classification: Uncertain significance. Last evaluated: 2022-11-08. Review status: criteria provided, single submitter. Criteria: GeneDx Variant Classification Process June 2021. Collection method: clinical testing. Allele origin: germline. Affected: yes.
Comment: In silico analysis supports that this missense variant does not alter protein structure/function; Has not been previously published as pathogenic or benign to our knowledge

NM_001379200.1(TBX1):c.95C>T (p.Ala32Val)

Gene: TBX1 (T-box transcription factor 1; plus strand). Cytogenetic location: 22q11.21.
Variant type: single nucleotide variant.
Coding change: c.95C>T on transcript NM_001379200.1 (MANE Select); coding-DNA position 95, C replaced by T.
Protein change: p.Ala32Val; replaces alanine 32 with valine.
Molecular consequence: missense variant.
Genome position (GRCh38, 1-based): chr22:19,760,938, C>T. VCF-style: chr22-19760938-C-T. GRCh37 (hg19) VCF-style: chr22-19748461-C-T.
Other names: c.68C>T, p.Ala23Val (NM_005992.1, NM_080646.2, NM_080647.1); short protein forms A23V, A32V.
Identifiers: ClinVar variation 959519 (VCV000959519.12), dbSNP rs1415687525, ClinGen allele CA410681143.